The following is an entry in ClinVar:

ClinVar aggregate classification (germline): Uncertain significance (1 of 4 stars; one submission).

Submission:

Labcorp Genetics (formerly Invitae), Labcorp
Classification: Uncertain significance. Last evaluated: 2023-04-22. Review status: criteria provided, single submitter. Criteria: Invitae Variant Classification Sherloc (09022015). Collection method: clinical testing. Allele origin: germline.
Comment: In summary, the available evidence is currently insufficient to determine the role of this variant in disease. Therefore, it has been classified as a Variant of Uncertain Significance. Algorithms developed to predict the effect of missense changes on protein structure and function output the following: SIFT: "Not Available"; PolyPhen-2: "Benign"; Align-GVGD: "Not Available". The glycine amino acid residue is found in multiple mammalian species, which suggests that this missense change does not adversely affect protein function. This variant has not been reported in the literature in individuals affected with RINT1-related conditions. This variant is not present in population databases (gnomAD no frequency). This sequence change replaces serine, which is neutral and polar, with glycine, which is neutral and non-polar, at codon 259 of the RINT1 protein (p.Ser259Gly).

NM_021930.6(RINT1):c.775A>G (p.Ser259Gly)

Gene: RINT1 (RAD50 interactor 1; plus strand). Cytogenetic location: 7q22.3.
Variant type: single nucleotide variant.
Coding change: c.775A>G on transcript NM_021930.6 (MANE Select); coding-DNA position 775, A replaced by G.
Protein change: p.Ser259Gly; replaces serine 259 with glycine.
Molecular consequence: missense variant. On other transcripts: 5 prime UTR variant (2), non-coding transcript variant (1), intron variant (1).
Genome position (GRCh38, 1-based): chr7:105,547,269, A>G. VCF-style: chr7-105547269-A-G. GRCh37 (hg19) VCF-style: chr7-105187716-A-G.
Other names: c.541A>G, p.Ser181Gly (NM_001346599.2); c.-245A>G (NM_001346600.2); c.-148A>G (NM_001346601.2); c.-27-2786A>G (NM_001346603.2); short protein forms S181G, S259G.
Identifiers: ClinVar variation 2904019 (VCV002904019.3), dbSNP rs2485124090, ClinGen allele CA368806353.